The following is an entry in ClinVar:

NM_006206.6(PDGFRA):c.983A>G (p.Asn328Ser)

Gene: PDGFRA (platelet derived growth factor receptor alpha; plus strand). Cytogenetic location: 4q12.
Variant type: single nucleotide variant.
Coding change: c.983A>G on transcript NM_006206.6 (MANE Select); coding-DNA position 983, A replaced by G.
Protein change: p.Asn328Ser; replaces asparagine 328 with serine.
Molecular consequence: missense variant.
Genome position (GRCh38, 1-based): chr4:54,267,603, A>G. VCF-style: chr4-54267603-A-G. GRCh37 (hg19) VCF-style: chr4-55133770-A-G.
Other names: p.Asn328Ser; c.983A>G, p.Asn328Ser (NM_001347827.2, NM_001347829.2); c.1058A>G, p.Asn353Ser (NM_001347828.2); c.1022A>G, p.Asn341Ser (NM_001347830.2); short protein forms N328S, N353S, N341S.
Identifiers: ClinVar variation 240367 (VCV000240367.11), dbSNP rs878854835, ClinGen allele CA10582237.
Genomic context (GRCh38, chr4:54,267,603, plus strand): 5'-CCTGTACAGAGAAAGGTTTCATTGAAATCAAACCCACCTTCAGCCAGTTGGAAGCTGTCA[A>G]CCTGCATGAAGTCAAACATTTTGTTGTAGAGGTGCGGGCCTACCCACCTCCCAGGATATC-3'
Protein context (NP_006197.1, residues 318-338): KPTFSQLEAV[Asn328Ser]LHEVKHFVVE

ClinVar aggregate classification (germline): Conflicting classifications of pathogenicity. Review status: criteria provided, conflicting classifications (1 of 4 stars). 3 submissions from 3 submitters: Uncertain significance (2); Likely benign (1). Last evaluated 2025-11-17.

Conditions:
Hereditary cancer-predisposing syndrome. Also called: Neoplastic Syndromes, Hereditary; Hereditary neoplastic syndrome; Hereditary Cancer Syndrome; Tumor predisposition. Identifiers: Orphanet 140162, MedGen C0027672, MeSH D009386, MONDO:0015356.
Gastrointestinal stromal tumor. Also called: Gastrointestinal stromal tumor, somatic; Gastrointestinal stroma tumor. Identifiers: Orphanet 44890, MedGen C0238198, MeSH D046152, MONDO:0011719, OMIM 606764, HP:0100723.

Allele frequency attached by ClinVar (database versions not stated): gnomAD exomes below 0.00001 and 0.00001.
gnomAD v4.1: 11 of 1,614,222 alleles (0.00068%); highest among the groups gnomAD compares: Non-Finnish European, 0.00085%; no homozygotes.

Submissions (3):

Labcorp Genetics (formerly Invitae), Labcorp
Classification: Uncertain significance for Gastrointestinal stromal tumor. Last evaluated: 2025-11-17. Review status: criteria provided, single submitter. Criteria: Invitae Variant Classification Sherloc (09022015). Collection method: clinical testing. Allele origin: germline.
Comment: This sequence change replaces asparagine, which is neutral and polar, with serine, which is neutral and polar, at codon 328 of the PDGFRA protein (p.Asn328Ser). This variant is present in population databases (no rsID available, gnomAD 0.0009%). This variant has not been reported in the literature in individuals affected with PDGFRA-related conditions. ClinVar contains an entry for this variant (Variation ID: 240367). Invitae Evidence Modeling of protein sequence and biophysical properties (such as structural, functional, and spatial information, amino acid conservation, physicochemical variation, residue mobility, and thermodynamic stability) indicates that this missense variant is not expected to disrupt PDGFRA protein function with a negative predictive value of 80%. In summary, the available evidence is currently insufficient to determine the role of this variant in disease. Therefore, it has been classified as a Variant of Uncertain Significance.

Ambry Genetics
Classification: Likely benign for Hereditary cancer-predisposing syndrome. Last evaluated: 2025-05-17. Review status: criteria provided, single submitter. Criteria: Ambry Variant Classification Scheme 2023. Collection method: clinical testing. Allele origin: germline.

Mayo Clinic Laboratories, Mayo Clinic
Classification: Uncertain significance. Last evaluated: 2025-03-13. Review status: criteria provided, single submitter. Criteria: ACMG Guidelines, 2015. Collection method: clinical testing. Allele origin: germline. Observed: 1 variant allele.
Comment: BP4_moderate